The following is an entry in ClinVar:

ClinVar aggregate classification (germline): Uncertain significance (1 of 4 stars; one submission).

Conditions:
Peroxisome biogenesis disorder 12A (Zellweger). Also called: Peroxisome biogenesis disorder 12A. Identifiers: Orphanet 912, MedGen C3554002, MONDO:0013951, OMIM 614886.

Allele frequency attached by ClinVar (database versions not stated): gnomAD exomes below 0.00001.

Submission:

Labcorp Genetics (formerly Invitae), Labcorp
Classification: Uncertain significance for Peroxisome biogenesis disorder 12A (Zellweger). Last evaluated: 2022-07-21. Review status: criteria provided, single submitter. Criteria: Invitae Variant Classification Sherloc (09022015). Collection method: clinical testing. Allele origin: germline.
Comment: Algorithms developed to predict the effect of missense changes on protein structure and function are either unavailable or do not agree on the potential impact of this missense change (SIFT: "Tolerated"; PolyPhen-2: "Possibly Damaging"; Align-GVGD: "Class C0"). This sequence change replaces phenylalanine, which is neutral and non-polar, with leucine, which is neutral and non-polar, at codon 248 of the PEX19 protein (p.Phe248Leu). This variant is present in population databases (no rsID available, gnomAD 0.009%). This variant has not been reported in the literature in individuals affected with PEX19-related conditions. In summary, the available evidence is currently insufficient to determine the role of this variant in disease. Therefore, it has been classified as a Variant of Uncertain Significance.

NM_002857.4(PEX19):c.744T>A (p.Phe248Leu)

Gene: PEX19 (peroxisomal biogenesis factor 19; minus strand). Cytogenetic location: 1q23.2.
Variant type: single nucleotide variant.
Coding change: c.744T>A on transcript NM_002857.4 (MANE Select); coding-DNA position 744, T replaced by A.
Protein change: p.Phe248Leu; replaces phenylalanine 248 with leucine.
Molecular consequence: missense variant. On other transcripts: non-coding transcript variant (2).
Genome position (GRCh38, 1-based): chr1:160,280,097, A>T on the plus strand (T>A on the coding strand, the complement: PEX19 is on the minus strand). VCF-style: chr1-160280097-A-T. GRCh37 (hg19) VCF-style: chr1-160249887-A-T.
Other names: c.744T>A, p.Phe248Leu (NM_001193644.1); short protein forms F248L.
Identifiers: ClinVar variation 2126753 (VCV002126753.2), dbSNP rs1473774134, ClinGen allele CA343257084.
Genomic context (GRCh38, chr1:160,280,097, plus strand): 5'-CAGCACCAGTGGGCAGAAGGCAAGAGGCCTTACCTGCTGCATAAGATCCAGCACCATCTC[A>T]AAACGAGCCTTTTGAGTGGTTTCACTGTCTGTGGGGGTCTCTGCCTCAAACTGCTCACAT-3'
Protein context (NP_002848.1, residues 238-258): TDSETTQKAR[Phe248Leu]EMVLDLMQQL